The following is an entry in ClinVar:

NM_001363118.2(SLC52A2):c.782C>G (p.Thr261Ser)

Gene: SLC52A2 (solute carrier family 52 member 2; plus strand). Cytogenetic location: 8q24.3.
Variant type: single nucleotide variant.
Coding change: c.782C>G on transcript NM_001363118.2 (MANE Select); coding-DNA position 782, C replaced by G.
Protein change: p.Thr261Ser; replaces threonine 261 with serine.
Molecular consequence: missense variant. On other transcripts: non-coding transcript variant (1).
Genome position (GRCh38, 1-based): chr8:144,360,274, C>G. VCF-style: chr8-144360274-C-G. GRCh37 (hg19) VCF-style: chr8-145583934-C-G.
Other names: c.782C>G, p.Thr261Ser (NM_001253815.2, NM_001253816.2, NM_001363120.2 and 2 more transcripts); c.290C>G, p.Thr97Ser (NM_001363122.2); c.518C>G, p.Thr173Ser (NM_001410949.1); short protein forms T261S, T173S, T97S.
Identifiers: ClinVar variation 2000096 (VCV002000096.4), dbSNP rs782797793, ClinGen allele CA4938277.

ClinVar aggregate classification (germline): Uncertain significance (1 of 4 stars; one submission).

Conditions:
Brown-Vialetto-van Laere syndrome 2. Also called: SPINOCEREBELLAR ATAXIA WITH BLINDNESS AND DEAFNESS 2; Riboflavin transporter deficiency type 2. Identifiers: Orphanet 572543, Orphanet 97229, MedGen C3553538, MONDO:0013867, OMIM 614707.

Allele frequency attached by ClinVar (database versions not stated): ExAC 0.00001; gnomAD exomes 0.00001; gnomAD 0.00001.
gnomAD v4.1: 13 of 1,612,096 alleles (0.00081%); highest among the groups gnomAD compares: Non-Finnish European, 0.00076%; no homozygotes.

Submission:

Labcorp Genetics (formerly Invitae), Labcorp
Classification: Uncertain significance for Brown-Vialetto-van Laere syndrome 2. Last evaluated: 2022-05-28. Review status: criteria provided, single submitter. Criteria: Invitae Variant Classification Sherloc (09022015). Collection method: clinical testing. Allele origin: germline.
Comment: This variant is present in population databases (rs782797793, gnomAD 0.005%). This variant has not been reported in the literature in individuals affected with SLC52A2-related conditions. Advanced modeling of protein sequence and biophysical properties (such as structural, functional, and spatial information, amino acid conservation, physicochemical variation, residue mobility, and thermodynamic stability) performed at Invitae indicates that this missense variant is not expected to disrupt SLC52A2 protein function. In summary, the available evidence is currently insufficient to determine the role of this variant in disease. Therefore, it has been classified as a Variant of Uncertain Significance. This sequence change replaces threonine, which is neutral and polar, with serine, which is neutral and polar, at codon 261 of the SLC52A2 protein (p.Thr261Ser).